The following is an entry in ClinVar:

NM_000152.5(GAA):c.-311G>C

Genes: GAA (alpha glucosidase; plus strand), LOC130061897 (ATAC-STARR-seq lymphoblastoid silent region 9099; plus strand). Cytogenetic location: 17q25.3.
Variant type: single nucleotide variant.
Coding change: c.-311G>C on transcript NM_000152.5 (MANE Select); 311 bases upstream of the start codon, G replaced by C.
Molecular consequence: 5 prime UTR variant. On other transcripts: non-coding transcript variant (1).
Genome position (GRCh38, 1-based): chr17:80,101,612, G>C. VCF-style: chr17-80101612-G-C. GRCh37 (hg19) VCF-style: chr17-78075411-G-C.
Other names: c.-126G>C (NM_001079803.3); c.-46G>C (NM_001079804.3); c.-221G>C (NM_001406741.1); c.-161G>C (NM_001406742.1).
Identifiers: ClinVar variation 3030825 (VCV003030825.2), dbSNP rs2143806346, ClinGen allele CA2734098195.

ClinVar aggregate classification (germline): Likely benign (0 of 4 stars; one submission).

Conditions:
GAA-related disorder. Also called: GAA-related condition.

Submission:

PreventionGenetics, part of Exact Sciences
Classification: Likely benign for GAA-related condition. Last evaluated: 2021-03-29. Review status: no assertion criteria provided. Collection method: clinical testing. Allele origin: germline.
Comment: This variant is classified as likely benign based on ACMG/AMP sequence variant interpretation guidelines (Richards et al. 2015 PMID: 25741868, with internal and published modifications).